The following is an entry in ClinVar:

ClinVar aggregate classification (germline): Conflicting classifications of pathogenicity. Review status: criteria provided, conflicting classifications (1 of 4 stars). 7 submissions from 7 submitters: Uncertain significance (2); Likely benign (5). Last evaluated 2026-02-02.

Conditions:
Jeune thoracic dystrophy. Also called: Short-rib thoracic dysplasia; Jeune syndrome; Infantile thoracic dystrophy; Thoracic pelvic phalangeal dystrophy; Jeune's syndrome; Chondroectodermal dysplasia-like syndrome. Identifiers: Orphanet 474, MedGen C0265275, MONDO:0018770.
Asphyxiating thoracic dystrophy 3. Also called: SHORT-RIB THORACIC DYSPLASIA 3 WITH OR WITHOUT POLYDACTYLY; POLYDACTYLY WITH NEONATAL CHONDRODYSTROPHY, TYPE I; SHORT-RIB THORACIC DYSPLASIA 3/6 WITH POLYDACTYLY, DIGENIC; Short rib polydactyly syndrome 2B; Saldino-Noonan Syndrome. Identifiers: Orphanet 474, Orphanet 93269, Orphanet 93270, Orphanet 93271, MedGen C0036069, MONDO:0013127, OMIM 613091.

Allele frequency attached by ClinVar (database versions not stated): 1000 Genomes Project 30x 0.00031; 1000 Genomes Project 0.00040; ExAC 0.00047; gnomAD exomes 0.00074; gnomAD 0.00127 and 0.00129; ESP Exome Variant Server 0.00132; TOPMed 0.00146.

Submissions (7):

Labcorp Genetics (formerly Invitae), Labcorp
Classification: Likely benign for Jeune thoracic dystrophy. Last evaluated: 2026-02-02. Review status: criteria provided, single submitter. Criteria: Invitae Variant Classification Sherloc (09022015). Collection method: clinical testing. Allele origin: germline.

ARUP Laboratories, Molecular Genetics and Genomics, ARUP Laboratories
Classification: Likely benign for Asphyxiating thoracic dystrophy 3. Last evaluated: 2025-02-07. Review status: criteria provided, single submitter. Criteria: ARUP Molecular Germline Variant Investigation Process 2024. Collection method: clinical testing. Allele origin: germline.

Blueprint Genetics
Classification: Likely benign. Last evaluated: 2024-11-05. Review status: criteria provided, single submitter. Criteria: ACMG Guidelines, 2015. Collection method: clinical testing. Allele origin: germline.

CeGaT Center for Human Genetics Tuebingen
Classification: Likely benign. Last evaluated: 2023-05-01. Review status: criteria provided, single submitter. Criteria: CeGaT Center For Human Genetics Tuebingen Variant Classification Criteria Version 2. Collection method: clinical testing. Allele origin: germline. Affected: yes. Observed: 4 variant alleles.
Comment: DYNC2H1: BP4, BP7

GeneDx
Classification: Likely benign. Last evaluated: 2020-08-23. Review status: criteria provided, single submitter. Criteria: GeneDx Variant Classification Process June 2021. Collection method: clinical testing. Allele origin: germline. Affected: yes.

Illumina Laboratory Services, Illumina
Classification: Uncertain significance for Asphyxiating thoracic dystrophy 3. Last evaluated: 2018-01-13. Review status: criteria provided, single submitter. Criteria: ICSL Variant Classification Criteria 13 December 2019. Collection method: clinical testing. Allele origin: germline.

Eurofins Ntd Llc (ga)
Classification: Uncertain significance. Last evaluated: 2016-08-31. Review status: criteria provided, single submitter. Criteria: EGL Classification Definitions 2015. Collection method: clinical testing. Allele origin: germline. Observed: 2 variant alleles, 2 heterozygotes.

NM_001377.3(DYNC2H1):c.8481A>C (p.Thr2827=)

Gene: DYNC2H1 (dynein cytoplasmic 2 heavy chain 1; plus strand). Cytogenetic location: 11q22.3.
Variant type: single nucleotide variant.
Coding change: c.8481A>C on transcript NM_001377.3 (MANE Select); coding-DNA position 8481, A replaced by C.
Protein change: p.Thr2827=; no amino-acid change (threonine 2827 retained).
Molecular consequence: synonymous variant.
Genome position (GRCh38, 1-based): chr11:103,209,902, A>C. VCF-style: chr11-103209902-A-C. GRCh37 (hg19) VCF-style: chr11-103080631-A-C.
Other names: c.8481A>C, p.Thr2827= (NM_001080463.2).
Identifiers: ClinVar variation 284909 (VCV000284909.52), dbSNP rs370627443, ClinGen allele CA6254466.